The following is an entry in ClinVar:

NM_017763.6(RNF43):c.1778C>G (p.Ser593Cys)

Gene: RNF43 (ring finger protein 43; minus strand). Cytogenetic location: 17q22.
Variant type: single nucleotide variant.
Coding change: c.1778C>G on transcript NM_017763.6 (MANE Select); coding-DNA position 1778, C replaced by G.
Protein change: p.Ser593Cys; replaces serine 593 with cysteine.
Molecular consequence: missense variant.
Genome position (GRCh38, 1-based): chr17:58,357,998, G>C on the plus strand (C>G on the coding strand, the complement: RNF43 is on the minus strand). VCF-style: chr17-58357998-G-C. GRCh37 (hg19) VCF-style: chr17-56435359-G-C.
Other names: c.1778C>G, p.Ser593Cys (NM_001305544.3); c.1397C>G, p.Ser466Cys (NM_001305545.2); short protein forms S466C, S593C.
Identifiers: ClinVar variation 1714816 (VCV001714816.5), dbSNP rs2509341880, ClinGen allele CA400387494.

ClinVar aggregate classification (germline): Uncertain significance (1 of 4 stars; one submission).

Submission:

Labcorp Genetics (formerly Invitae), Labcorp
Classification: Uncertain significance. Last evaluated: 2022-08-02. Review status: criteria provided, single submitter. Criteria: Invitae Variant Classification Sherloc (09022015). Collection method: clinical testing. Allele origin: germline.
Comment: In summary, the available evidence is currently insufficient to determine the role of this variant in disease. Therefore, it has been classified as a Variant of Uncertain Significance. Algorithms developed to predict the effect of missense changes on protein structure and function (SIFT, PolyPhen-2, Align-GVGD) all suggest that this variant is likely to be tolerated. This variant has not been reported in the literature in individuals affected with RNF43-related conditions. This variant is not present in population databases (gnomAD no frequency). This sequence change replaces serine, which is neutral and polar, with cysteine, which is neutral and slightly polar, at codon 593 of the RNF43 protein (p.Ser593Cys).